The following is an entry in ClinVar:

ClinVar aggregate classification (germline): Uncertain significance (1 of 4 stars; one submission).

Allele frequency attached by ClinVar (database versions not stated): gnomAD exomes below 0.00001.
gnomAD v4.1: 5 of 1,601,292 alleles (0.00031%); highest among the groups gnomAD compares: Middle Eastern, 0.017%; no homozygotes.

Submission:

Labcorp Genetics (formerly Invitae), Labcorp
Classification: Uncertain significance. Last evaluated: 2022-06-20. Review status: criteria provided, single submitter. Criteria: Invitae Variant Classification Sherloc (09022015). Collection method: clinical testing. Allele origin: germline.
Comment: This sequence change replaces glycine, which is neutral and non-polar, with glutamic acid, which is acidic and polar, at codon 747 of the PLK4 protein (p.Gly747Glu). In summary, the available evidence is currently insufficient to determine the role of this variant in disease. Therefore, it has been classified as a Variant of Uncertain Significance. Algorithms developed to predict the effect of missense changes on protein structure and function are either unavailable or do not agree on the potential impact of this missense change (SIFT: "Deleterious"; PolyPhen-2: "Probably Damaging"; Align-GVGD: "Class C0"). This variant has not been reported in the literature in individuals affected with PLK4-related conditions. This variant is not present in population databases (gnomAD no frequency).

NM_014264.5(PLK4):c.2240G>A (p.Gly747Glu)

Gene: PLK4 (polo like kinase 4; plus strand). Cytogenetic location: 4q28.1.
Variant type: single nucleotide variant.
Coding change: c.2240G>A on transcript NM_014264.5 (MANE Select); coding-DNA position 2240, G replaced by A.
Protein change: p.Gly747Glu; replaces glycine 747 with glutamic acid.
Molecular consequence: missense variant.
Genome position (GRCh38, 1-based): chr4:127,893,336, G>A. VCF-style: chr4-127893336-G-A. GRCh37 (hg19) VCF-style: chr4-128814491-G-A.
Other names: c.2144G>A, p.Gly715Glu (NM_001190799.2); c.2117G>A, p.Gly706Glu (NM_001190801.2); short protein forms G715E, G706E, G747E.
Identifiers: ClinVar variation 1428776 (VCV001428776.4), dbSNP rs1007983511, ClinGen allele CA105641345.